The following is an entry in ClinVar:

ClinVar aggregate classification (germline): Pathogenic/Likely pathogenic. Review status: criteria provided, multiple submitters, no conflicts (2 of 4 stars). 2 submissions from 2 submitters: Pathogenic (1); Likely pathogenic (1). Last evaluated 2019-12-28.

Conditions:
RS1-related disorder. Also called: RS1-related condition.

Submissions (2):

Labcorp Genetics (formerly Invitae), Labcorp
Classification: Pathogenic. Last evaluated: 2019-12-28. Review status: criteria provided, single submitter. Criteria: Invitae Variant Classification Sherloc (09022015). Collection method: clinical testing. Allele origin: germline.
Comment: For these reasons, this variant has been classified as Pathogenic. This sequence change creates a premature translational stop signal (p.Gln106*) in the RS1 gene. It is expected to result in an absent or disrupted protein product. This variant is not present in population databases (ExAC no frequency). This variant has not been reported in the literature in individuals with RS1-related conditions. Loss-of-function variants in RS1 are known to be pathogenic (PMID: 9618178, 17172462).

Blueprint Genetics
Classification: Likely pathogenic for RS1-related disorders. Last evaluated: 2017-07-07. Review status: criteria provided, single submitter. Criteria: ACMG Guidelines, 2015. Collection method: clinical testing. Allele origin: germline. Affected: yes. Observed: 1 variant allele.

Literature cited by the submitters: PubMed 9618178 (cited by Labcorp Genetics (formerly Invitae), Labcorp); PubMed 17172462 (cited by Labcorp Genetics (formerly Invitae), Labcorp).

NM_000330.4(RS1):c.316C>T (p.Gln106Ter)

Genes: CDKL5 (cyclin dependent kinase like 5; plus strand), RS1 (retinoschisin 1; minus strand). Cytogenetic location: Xp22.13.
Variant type: single nucleotide variant.
Coding change: c.316C>T on transcript NM_000330.4 (MANE Select); coding-DNA position 316, C replaced by T.
Protein change: p.Gln106Ter; replaces glutamine 106 with a stop codon.
Molecular consequence: nonsense. On other transcripts: intron variant (2).
Genome position (GRCh38, 1-based): chrX:18,647,201, G>A on the plus strand (C>T on the coding strand, the complement: RS1 is on the minus strand). VCF-style: chrX-18647201-G-A. GRCh37 (hg19) VCF-style: chrX-18665321-G-A.
Other names: c.2797+1111G>A (NM_003159.3, NM_001037343.2); short protein forms Q106*.
Identifiers: ClinVar variation 851015 (VCV000851015.48), dbSNP rs1386256334, ClinGen allele CA412372671.